The following is an entry in ClinVar:

NM_182914.3(SYNE2):c.4148T>A (p.Met1383Lys)

Gene: SYNE2 (spectrin repeat containing nuclear envelope protein 2; plus strand). Cytogenetic location: 14q23.2.
Variant type: single nucleotide variant.
Coding change: c.4148T>A on transcript NM_182914.3 (MANE Select); coding-DNA position 4148, T replaced by A.
Protein change: p.Met1383Lys; replaces methionine 1383 with lysine.
Molecular consequence: missense variant.
Genome position (GRCh38, 1-based): chr14:64,003,081, T>A. VCF-style: chr14-64003081-T-A. GRCh37 (hg19) VCF-style: chr14-64469799-T-A.
Other names: c.4148T>A, p.Met1383Lys (NM_015180.6); short protein forms M1383K.
Identifiers: ClinVar variation 3667443 (VCV003667443.10).

ClinVar aggregate classification (germline): Likely benign. Review status: criteria provided, multiple submitters, no conflicts (2 of 4 stars). 2 submissions from 2 submitters: Likely benign (2). Last evaluated 2025-06-01.

Conditions:
Emery-Dreifuss muscular dystrophy 5, autosomal dominant (EDMD5). Also called: EMERY-DREIFUSS MUSCULAR DYSTROPHY 5. Identifiers: Orphanet 261, MedGen C2751805, MONDO:0013072, OMIM 612999.

Submissions (2):

CeGaT Center for Human Genetics Tuebingen
Classification: Likely benign. Last evaluated: 2025-06-01. Review status: criteria provided, single submitter. Criteria: CeGaT Center For Human Genetics Tuebingen Variant Classification Criteria Version 2. Collection method: clinical testing. Allele origin: germline. Affected: yes. Observed: 1 variant allele.
Comment: SYNE2: BP4

Labcorp Genetics (formerly Invitae), Labcorp
Classification: Likely benign for Emery-Dreifuss muscular dystrophy 5, autosomal dominant. Last evaluated: 2024-12-12. Review status: criteria provided, single submitter. Criteria: Invitae Variant Classification Sherloc (09022015). Collection method: clinical testing. Allele origin: germline.